The following is an entry in ClinVar:

NM_001017361.3(KHDC3L):c.334C>T (p.Gln112Ter)

Gene: KHDC3L (KH domain containing 3 like, subcortical maternal complex member; plus strand). Cytogenetic location: 6q13.
Variant type: single nucleotide variant.
Coding change: c.334C>T on transcript NM_001017361.3 (MANE Select); coding-DNA position 334, C replaced by T.
Protein change: p.Gln112Ter; replaces glutamine 112 with a stop codon.
Molecular consequence: nonsense.
Genome position (GRCh38, 1-based): chr6:73,363,259, C>T. VCF-style: chr6-73363259-C-T. GRCh37 (hg19) VCF-style: chr6-74072982-C-T.
Other names: short protein forms Q112*.
Identifiers: ClinVar variation 208592 (VCV000208592.4), dbSNP rs745776920, ClinGen allele CA204569.
Genomic context (GRCh38, chr6:73,363,259, plus strand): 5'-AGGCCTTCTTACCAGGAGGACACAATCAAGATGATCATGAACCTGGCTGACTATCACCGC[C>T]AGCTCCAGGCGAAAGGTACGGGGCTGGGAATAGGGCTACCTGGAGCAAACCCTGGCTCCG-3'

ClinVar aggregate classification (germline): Likely pathogenic (1 of 4 stars; one submission).

Conditions:
Hydatidiform mole, recurrent, 2 (HYDM2). Identifiers: Orphanet 254688, Orphanet 99927, MedGen C3280352, MONDO:0013671, OMIM 614293.

Allele frequency attached by ClinVar (database versions not stated): TOPMed below 0.00001; gnomAD 0.00001; gnomAD exomes 0.00001 and 0.00002; ExAC 0.00002.
gnomAD v4.1: 16 of 1,614,052 alleles (0.00099%); highest among the groups gnomAD compares: Non-Finnish European, 0.0011%; no homozygotes.

Submission:

Laboratory for Molecular Medicine, Mass General Brigham Personalized Medicine
Classification: Likely pathogenic for Hydatidiform mole, recurrent, 2. Last evaluated: 2014-10-16. Review status: criteria provided, single submitter. Criteria: LMM Criteria. Collection method: clinical testing. Allele origin: germline. Inheritance: Autosomal recessive inheritance. Observed: 1 variant allele. Study: CSER-MedSeq.
Comment: The p.Gln112X variant in KHDC3L has not been previously reported in individuals with disease or in large population studies. This nonsense variant leads to a premature termination codon at position 112, which is predicted to remove roughly half of the protein and therefore likely to result in a null or loss of function effect. Biallelic null variants (variants in both copies of the gene) have been shown to cause hydatidiform mole (Parry 2011, Reddy 2013). In summary, although additional studies are required to confirm a null effect, the p.Gln112X variant in KHDC3L is likely pathogenic for hydatidiform mole in an autosomal recessive manner.

Literature cited by the submitters: PubMed 21885028; PubMed 23232697.